The following is an entry in ClinVar:

NM_015378.4(VPS13D):c.10142-2A>G

Gene: VPS13D (vacuolar protein sorting 13 homolog D; plus strand). Cytogenetic location: 1p36.22.
Variant type: single nucleotide variant.
Coding change: c.10142-2A>G on transcript NM_015378.4 (MANE Select); the canonical splice acceptor site of the intron before coding-DNA position 10142, A replaced by G.
Molecular consequence: splice acceptor variant.
Genome position (GRCh38, 1-based): chr1:12,362,718, A>G. VCF-style: chr1-12362718-A-G. GRCh37 (hg19) VCF-style: chr1-12422774-A-G.
Other names: NM_018156.4:c.10067-2A>G; c.10067-2A>G (NM_018156.4).
Identifiers: ClinVar variation 2500953 (VCV002500953.1), dbSNP rs2524405777, ClinGen allele CA338496972.

ClinVar aggregate classification (germline): Pathogenic (1 of 4 stars; one submission).

Conditions:
Autosomal recessive cerebellar ataxia. Also called: Spinocerebellar ataxia, autosomal recessive; Spinocerebellar Ataxia, Recessive. Identifiers: Orphanet 1172, MedGen C5575375, MONDO:0015244.

Submission:

Broad Center for Mendelian Genomics, Broad Institute of MIT and Harvard
Classification: Pathogenic for Autosomal recessive cerebellar ataxia. Last evaluated: 2023-05-02. Review status: criteria provided, single submitter. Criteria: ACMG Guidelines, 2015. Collection method: curation. Allele origin: germline. Inheritance: Autosomal recessive inheritance.
Comment: Trio exome analysis showed this variant to be in trans with a likely pathogenic variant (ClinVar Variation ID: 932894). The c.10142-2A>G variant in VPS13D has not been previously reported in individuals with autosomal recessive spinocerebellar ataxia 4. This variant was absent from large population studies. This variant is located in the 3' splice region. Computational tools predict a splicing impact, though this information is not predictive enough to determine pathogenicity. Loss of function of the VSP13D gene is an established disease mechanism in autosomal recessive spinocerebellar ataxia 4. In summary, this variant meets criteria to be classified as pathogenic for autosomal recessive spinocerebellar ataxia 4. ACMG/AMP Criteria applied: PVS1, PM2_Supporting, PM3 (Richards 2015).